The following is an entry in ClinVar:

ClinVar aggregate classification (germline): Uncertain significance. Review status: criteria provided, multiple submitters, no conflicts (2 of 4 stars). 2 submissions from 2 submitters: Uncertain significance (2). Last evaluated 2025-06-25.

Conditions:
LAMB2-related infantile-onset nephrotic syndrome. Also called: Nephrotic Syndrome, type 5; NEPHROTIC SYNDROME, TYPE 5, WITHOUT OCULAR ABNORMALITIES; NEPHROTIC SYNDROME, TYPE 5, WITH OCULAR ABNORMALITIES. Identifiers: Orphanet 306507, MedGen C3280113, MONDO:0013621, OMIM 614199.
Pierson syndrome. Also called: MICROCORIA-CONGENITAL NEPHROTIC SYNDROME. Identifiers: Orphanet 2670, MedGen C1836876, MONDO:0012184, OMIM 609049.
Inborn genetic diseases. Identifiers: MedGen C0950123, MeSH D030342.

Allele frequency attached by ClinVar (database versions not stated): gnomAD 0.00001; gnomAD exomes 0.00001 and 0.00003; TOPMed 0.00002; ExAC 0.00003; ESP Exome Variant Server 0.00008.
gnomAD v4.1: 12 of 1,613,590 alleles (0.00074%); highest among the groups gnomAD compares: Admixed American, 0.012%; no homozygotes.

Submissions (2):

Ambry Genetics
Classification: Uncertain significance for Inborn genetic diseases. Last evaluated: 2025-06-25. Review status: criteria provided, single submitter. Criteria: Ambry Variant Classification Scheme 2023. Collection method: clinical testing. Allele origin: germline.

Labcorp Genetics (formerly Invitae), Labcorp
Classification: Uncertain significance for LAMB2-related infantile-onset nephrotic syndrome; Pierson syndrome. Last evaluated: 2022-08-22. Review status: criteria provided, single submitter. Criteria: Invitae Variant Classification Sherloc (09022015). Collection method: clinical testing. Allele origin: germline.
Comment: This sequence change replaces cysteine, which is neutral and slightly polar, with serine, which is neutral and polar, at codon 1040 of the LAMB2 protein (p.Cys1040Ser). This variant is present in population databases (rs149560677, gnomAD 0.01%). This variant has not been reported in the literature in individuals affected with LAMB2-related conditions. ClinVar contains an entry for this variant (Variation ID: 852511). Algorithms developed to predict the effect of missense changes on protein structure and function (SIFT, PolyPhen-2, Align-GVGD) all suggest that this variant is likely to be disruptive. In summary, the available evidence is currently insufficient to determine the role of this variant in disease. Therefore, it has been classified as a Variant of Uncertain Significance.

NM_002292.4(LAMB2):c.3118T>A (p.Cys1040Ser)

Gene: LAMB2 (laminin subunit beta 2; minus strand). Cytogenetic location: 3p21.31.
Variant type: single nucleotide variant.
Coding change: c.3118T>A on transcript NM_002292.4 (MANE Select); coding-DNA position 3118, T replaced by A.
Protein change: p.Cys1040Ser; replaces cysteine 1040 with serine.
Molecular consequence: missense variant.
Genome position (GRCh38, 1-based): chr3:49,124,604, A>T on the plus strand (T>A on the coding strand, the complement: LAMB2 is on the minus strand). VCF-style: chr3-49124604-A-T. GRCh37 (hg19) VCF-style: chr3-49162037-A-T.
Other names: short protein forms C1040S.
Identifiers: ClinVar variation 852511 (VCV000852511.5), dbSNP rs149560677, ClinGen allele CA2394115.